The following is an entry in ClinVar:

ClinVar aggregate classification (germline): Uncertain significance (1 of 4 stars; one submission).

Conditions:
TRPC5-related disorder. Also called: TRPC5-related condition.

Submission:

PreventionGenetics, part of Exact Sciences
Classification: Uncertain significance for TRPC5-related condition. Last evaluated: 2026-06-08. Review status: criteria provided, single submitter. Criteria: ACMG Guidelines, 2015. Collection method: clinical testing. Allele origin: germline.
Comment: The TRPC5 c.968G>A variant is predicted to result in the amino acid substitution p.Arg323Gln. To our knowledge, this variant has not been reported in the literature or in a large population database (gnomAD), indicating this variant is rare. At this time, the clinical significance of this variant is uncertain due to the absence of conclusive functional and genetic evidence.

NM_012471.3(TRPC5):c.968G>A (p.Arg323Gln)

Gene: TRPC5 (transient receptor potential cation channel subfamily C member 5; minus strand). Cytogenetic location: Xq23.
Variant type: single nucleotide variant.
Coding change: c.968G>A on transcript NM_012471.3 (MANE Select); coding-DNA position 968, G replaced by A.
Protein change: p.Arg323Gln; replaces arginine 323 with glutamine.
Molecular consequence: missense variant.
Genome position (GRCh38, 1-based): chrX:111,854,039, C>T on the plus strand (G>A on the coding strand, the complement: TRPC5 is on the minus strand). VCF-style: chrX-111854039-C-T. GRCh37 (hg19) VCF-style: chrX-111097267-C-T.
Other names: short protein forms R323Q.
Identifiers: ClinVar variation 4993238 (VCV004993238.1).